The following is an entry in ClinVar:

NM_001276270.2(MBD4):c.808A>C (p.Lys270Gln)

Gene: MBD4 (methyl-CpG binding domain 4, DNA glycosylase; minus strand). Cytogenetic location: 3q21.3.
Variant type: single nucleotide variant.
Coding change: c.808A>C on transcript NM_001276270.2 (MANE Select); coding-DNA position 808, A replaced by C.
Protein change: p.Lys270Gln; replaces lysine 270 with glutamine.
Molecular consequence: missense variant. On other transcripts: intron variant (1).
Genome position (GRCh38, 1-based): chr3:129,436,836, T>G on the plus strand (A>C on the coding strand, the complement: MBD4 is on the minus strand). VCF-style: chr3-129436836-T-G. GRCh37 (hg19) VCF-style: chr3-129155679-T-G.
Other names: c.808A>C, p.Lys270Gln (NM_001276271.2, NM_001276272.2, NM_003925.3); c.247+972A>C (NM_001276273.2); short protein forms K270Q.
Identifiers: ClinVar variation 4052213 (VCV004052213.1).
Genomic context (GRCh38, chr3:129,436,836, plus strand): 5'-TGCAGACAGTTCTATCAAGCTGACTTTTTTGTGCAACAGGTTCACTTTCAGCATCTGCTT[T>G]ATTACACACAGATTCTCTTTTGCTATCACTTTGAACAAAACCTGAACAGCTCTTCCTACA-3'
Protein context (NP_001263199.1, residues 260-280): SDSKRESVCN[Lys270Gln]ADAESEPVAQ

ClinVar aggregate classification (germline): Uncertain significance (1 of 4 stars; one submission).

Conditions:
Inborn genetic diseases. Identifiers: MedGen C0950123, MeSH D030342.

Submission:

Ambry Genetics
Classification: Uncertain significance for Inborn genetic diseases. Last evaluated: 2025-04-19. Review status: criteria provided, single submitter. Criteria: Ambry Variant Classification Scheme 2023. Collection method: clinical testing. Allele origin: germline.
Comment: The p.K270Q variant (also known as c.808A>C), located in coding exon 3 of the MBD4 gene, results from an A to C substitution at nucleotide position 808. The lysine at codon 270 is replaced by glutamine, an amino acid with similar properties. This amino acid position is conserved. In addition, this alteration is predicted to be tolerated by in silico analysis. Based on the available evidence, the clinical significance of this variant remains unclear.